The following is an entry in ClinVar:

ClinVar aggregate classification (germline): Pathogenic (1 of 4 stars; one submission).

Conditions:
Xeroderma pigmentosum, group F (XPF). Also called: XERODERMA PIGMENTOSUM VI; XP, GROUP F; ERCC4-Related Xeroderma Pigmentosum; XERODERMA PIGMENTOSUM, TYPE F; Xeroderma pigmentosum, type 6; XERODERMA PIGMENTOSUM, COMPLEMENTATION GROUP F. Identifiers: MedGen C0268140, MONDO:0010215, OMIM 278760.
Fanconi anemia complementation group Q. Identifiers: Orphanet 84, MedGen C3808988, MONDO:0014108, OMIM 615272.
Cockayne syndrome. Identifiers: Orphanet 191, MedGen C0009207, MONDO:0016006.

Submission:

Labcorp Genetics (formerly Invitae), Labcorp
Classification: Pathogenic for Fanconi anemia complementation group Q; Xeroderma pigmentosum, group F; Cockayne syndrome. Last evaluated: 2022-10-11. Review status: criteria provided, single submitter. Criteria: Invitae Variant Classification Sherloc (09022015). Collection method: clinical testing. Allele origin: germline.
Comment: This sequence change creates a premature translational stop signal (p.Val23Glyfs*10) in the ERCC4 gene. It is expected to result in an absent or disrupted protein product. Loss-of-function variants in ERCC4 are known to be pathogenic (PMID: 9580660). This variant is not present in population databases (gnomAD no frequency). This variant has not been reported in the literature in individuals affected with ERCC4-related conditions. For these reasons, this variant has been classified as Pathogenic.

Literature cited by the submitters: PubMed 9580660.

NM_005236.3(ERCC4):c.68del (p.Val23fs)

Genes: ERCC4 (ERCC excision repair 4, endonuclease catalytic subunit; plus strand), LOC130058543 (ATAC-STARR-seq lymphoblastoid active region 10486; plus strand). Cytogenetic location: 16p13.12.
Variant type: Deletion.
Coding change: c.68del on transcript NM_005236.3 (MANE Select); coding-DNA position 68, one base deleted (T; older notation c.68delT).
Protein change: p.Val23fs; shifts the reading frame from valine 23.
Molecular consequence: frameshift variant.
Genome position (GRCh38, 1-based): chr16:13,920,233, T deleted. VCF-style (leftmost placement, unchanged base first): chr16-13920232-GT-G. GRCh37 (hg19) VCF-style: chr16-14014089-GT-G.
Other names: short protein forms V23fs.
Identifiers: ClinVar variation 2151562 (VCV002151562.4), dbSNP rs2543161072, ClinGen allele CA2580090709.